The following is an entry in ClinVar:

ClinVar aggregate classification (germline): Conflicting classifications of pathogenicity. Review status: criteria provided, conflicting classifications (1 of 4 stars). 2 submissions from 2 submitters: Likely pathogenic (1); Uncertain significance (1). Last evaluated 2025-08-29.

Conditions:
Deafness-encephaloneuropathy-obesity-valvulopathy syndrome. Identifiers: Orphanet 254898, MedGen C3553354, MONDO:0013837, OMIM 614651.

Allele frequency attached by ClinVar (database versions not stated): ExAC 0.00002; gnomAD exomes 0.00002.
gnomAD v4.1: 6 of 1,613,728 alleles (0.00037%); highest among the groups gnomAD compares: Admixed American, 0.0083%; no homozygotes.

Submissions (2):

Labcorp Genetics (formerly Invitae), Labcorp
Classification: Uncertain significance. Last evaluated: 2025-08-29. Review status: criteria provided, single submitter. Criteria: Invitae Variant Classification Sherloc (09022015). Collection method: clinical testing. Allele origin: germline.
Comment: This sequence change creates a premature translational stop signal (p.Glu113*) in the PDSS1 gene. It is expected to result in an absent or disrupted protein product. However, the current clinical and genetic evidence is not sufficient to establish whether loss-of-function variants in PDSS1 cause disease. This variant is present in population databases (rs766969099, gnomAD 0.01%). This variant has not been reported in the literature in individuals affected with PDSS1-related conditions. ClinVar contains an entry for this variant (Variation ID: 1462868). Algorithms developed to predict the effect of sequence changes on RNA splicing suggest that this variant may disrupt the consensus splice site. In summary, the available evidence is currently insufficient to determine the role of this variant in disease. Therefore, it has been classified as a Variant of Uncertain Significance.

Fulgent Genetics
Classification: Likely pathogenic for Deafness-encephaloneuropathy-obesity-valvulopathy syndrome. Last evaluated: 2024-04-01. Review status: criteria provided, single submitter. Criteria: ACMG Guidelines, 2015. Collection method: clinical testing. Allele origin: germline.

NM_014317.5(PDSS1):c.337G>T (p.Glu113Ter)

Gene: PDSS1 (decaprenyl diphosphate synthase subunit 1; plus strand). Cytogenetic location: 10p12.1.
Variant type: single nucleotide variant.
Coding change: c.337G>T on transcript NM_014317.5 (MANE Select); coding-DNA position 337, G replaced by T.
Protein change: p.Glu113Ter; replaces glutamic acid 113 with a stop codon.
Molecular consequence: nonsense. On other transcripts: 5 prime UTR variant (1).
Genome position (GRCh38, 1-based): chr10:26,709,638, G>T. VCF-style: chr10-26709638-G-T. GRCh37 (hg19) VCF-style: chr10-26998567-G-T.
Other names: c.337G>T, p.Glu113Ter (NM_001321978.2); c.-257G>T (NM_001321979.2); short protein forms E113*.
Identifiers: ClinVar variation 1462868 (VCV001462868.5), dbSNP rs766969099, ClinGen allele CA5446922.
Genomic context (GRCh38, chr10:26,709,638, plus strand): 5'-CCTGTTGGCTTTCTGTGCAGTTTTTTGATGCCATTGTGACACAGAGAAACTTTATTTCAG[G>T]AACTGCTTATATCAACATCAGAACTTAAGGAAATGTCTGAGTACTACTTTGATGGGAAAG-3'